The following is an entry in ClinVar:

NM_004817.4(TJP2):c.3404C>T (p.Thr1135Met)

Gene: TJP2 (tight junction protein 2; plus strand). Cytogenetic location: 9q21.11.
Variant type: single nucleotide variant.
Coding change: c.3404C>T on transcript NM_004817.4 (MANE Select); coding-DNA position 3404, C replaced by T.
Protein change: p.Thr1135Met; replaces threonine 1135 with methionine.
Molecular consequence: missense variant.
Genome position (GRCh38, 1-based): chr9:69,252,897, C>T. VCF-style: chr9-69252897-C-T. GRCh37 (hg19) VCF-style: chr9-71867813-C-T.
Other names: p.Thr1135Met; c.2894C>T, p.Thr965Met (NM_001170414.2); c.3305C>T, p.Thr1102Met (NM_001170415.1); c.3497C>T, p.Thr1166Met (NM_001170416.2); c.3329C>T, p.Thr1110Met (NM_001369870.1); c.3335C>T, p.Thr1112Met (NM_001369871.1); c.3293C>T, p.Thr1098Met (NM_001369872.1); c.3080C>T, p.Thr1027Met (NM_001369873.1); and 3 more; short protein forms T1027M, T1098M, T1102M, T1110M, T1112M, T1135M, T1139M, T1166M.
Identifiers: ClinVar variation 2683048 (VCV002683048.1), dbSNP rs760371356, ClinGen allele CA5073953.

ClinVar aggregate classification (germline): Uncertain significance (1 of 4 stars; one submission).

Allele frequency attached by ClinVar (database versions not stated): ExAC 0.00002; gnomAD exomes 0.00002; TOPMed 0.00003; gnomAD 0.00006; 1000 Genomes Project 30x 0.00016.
gnomAD v4.1: 42 of 1,614,160 alleles (0.0026%); highest among the groups gnomAD compares: South Asian, 0.0055%; no homozygotes.

Submission:

Mayo Clinic Laboratories, Mayo Clinic
Classification: Uncertain significance. Last evaluated: 2022-12-01. Review status: criteria provided, single submitter. Criteria: ACMG Guidelines, 2015. Collection method: clinical testing. Allele origin: germline. Observed: 1 variant allele.
Comment: BP4